The following is an entry in ClinVar:

NM_004562.3(PRKN):c.636T>G (p.Cys212Trp)

Gene: PRKN (parkin RBR E3 ubiquitin protein ligase; minus strand). Cytogenetic location: 6q26.
Variant type: single nucleotide variant.
Coding change: c.636T>G on transcript NM_004562.3 (MANE Select); coding-DNA position 636, T replaced by G.
Protein change: p.Cys212Trp; replaces cysteine 212 with tryptophan.
Molecular consequence: missense variant.
Genome position (GRCh38, 1-based): chr6:161,973,400, A>C on the plus strand (T>G on the coding strand, the complement: PRKN is on the minus strand). VCF-style: chr6-161973400-A-C. GRCh37 (hg19) VCF-style: chr6-162394432-A-C.
Other names: c.552T>G, p.Cys184Trp (NM_013987.3); c.189T>G, p.Cys63Trp (NM_013988.3); short protein forms C184W, C212W, C63W.
Identifiers: ClinVar variation 1017588 (VCV001017588.8), dbSNP rs1780901583, ClinGen allele CA366466987.
Genomic context (GRCh38, chr6:161,973,400, plus strand): 5'-ATTTGTTGCGATCAGGTGCAAAGCTACTGATGTTTCCTTGTCAGAGGTGGGGTGTGCTCC[A>C]CATTTAAAGAAAAATTCCTGAAAGAAAGATAAATATGATCACACACATGGATCCCGGCTG-3'
Protein context (NP_004553.2, residues 202-222): PGTSAEFFFK[Cys212Trp]GAHPTSDKET

ClinVar aggregate classification (germline): Uncertain significance (1 of 4 stars; one submission).

Submission:

Labcorp Genetics (formerly Invitae), Labcorp
Classification: Uncertain significance. Last evaluated: 2020-02-27. Review status: criteria provided, single submitter. Criteria: Invitae Variant Classification Sherloc (09022015). Collection method: clinical testing. Allele origin: germline.
Comment: Algorithms developed to predict the effect of missense changes on protein structure and function are either unavailable or do not agree on the potential impact of this missense change (SIFT: "Deleterious"; PolyPhen-2: "Probably Damaging"; Align-GVGD: "Class C15"). This variant disrupts the p.Cys212 amino acid residue in PRKN. Other variant(s) that disrupt this residue have been determined to be pathogenic (PMID: 11163284, 12056932, 15816865). This suggests that this residue is clinically significant, and that variants that disrupt this residue are likely to be disease-causing. In summary, the available evidence is currently insufficient to determine the role of this variant in disease. Therefore, it has been classified as a Variant of Uncertain Significance. This variant has not been reported in the literature in individuals with PRKN-related conditions. This sequence change replaces cysteine with tryptophan at codon 212 of the PRKN protein (p.Cys212Trp). The cysteine residue is highly conserved and there is a large physicochemical difference between cysteine and tryptophan. This variant is not present in population databases (ExAC no frequency).

Literature cited by the submitters: PubMed 11163284; PubMed 12056932; PubMed 15816865.